The following is an entry in ClinVar:

NM_018941.4(CLN8):c.599T>G (p.Met200Arg)

Gene: CLN8 (CLN8 transmembrane ER and ERGIC protein; plus strand). Cytogenetic location: 8p23.3.
Variant type: single nucleotide variant.
Coding change: c.599T>G on transcript NM_018941.4 (MANE Select); coding-DNA position 599, T replaced by G.
Protein change: p.Met200Arg; replaces methionine 200 with arginine.
Molecular consequence: missense variant.
Genome position (GRCh38, 1-based): chr8:1,780,305, T>G. VCF-style: chr8-1780305-T-G. GRCh37 (hg19) VCF-style: chr8-1728471-T-G.
Other names: short protein forms M200R.
Identifiers: ClinVar variation 4976352 (VCV004976352.1).

ClinVar aggregate classification (germline): Uncertain significance (1 of 4 stars; one submission).

Submission:

GeneDx
Classification: Uncertain significance. Last evaluated: 2026-02-05. Review status: criteria provided, single submitter. Criteria: GeneDx Variant Classification Process June 2021. Collection method: clinical testing. Allele origin: germline.
Comment: Not observed at significant frequency in large population cohorts (gnomAD); In silico analysis supports that this missense variant has a deleterious effect on protein structure/function; Has not been previously published as pathogenic or benign to our knowledge